The following is an entry in ClinVar:

NM_017849.4(TMEM127):c.-21C>T

Genes: TMEM127 (transmembrane protein 127; minus strand), LOC129934333 (ATAC-STARR-seq lymphoblastoid silent region 11759; plus strand). Cytogenetic location: 2q11.2.
Variant type: single nucleotide variant.
Coding change: c.-21C>T on transcript NM_017849.4 (MANE Select); 21 bases upstream of the start codon, C replaced by T.
Molecular consequence: 5 prime UTR variant. On other transcripts: intron variant (1).
Genome position (GRCh38, 1-based): chr2:96,265,402, G>A on the plus strand (C>T on the coding strand, the complement: TMEM127 is on the minus strand). VCF-style: chr2-96265402-G-A. GRCh37 (hg19) VCF-style: chr2-96931140-G-A.
Other names: c.-21C>T (NM_001193304.3); c.-9+467C>T (NM_001407283.1).
Identifiers: ClinVar variation 3051682 (VCV003051682.2), dbSNP rs969821189, ClinGen allele CA52419217.
Genomic context (GRCh38, chr2:96,265,402, plus strand): 5'-GGCGCCCGCCGGGCAGCCCTGCGCCTCCGGGGGCGTACATGCCCGGGGCCGCCCGCCGTC[G>A]CTCCGCAGTCGCTGCTGGTCGCCGCCGACCTCCGCGGGGCGCGCAGAGCCTGACAGTCCG-3'

ClinVar aggregate classification (germline): Likely benign (0 of 4 stars; one submission).

Conditions:
TMEM127-related disorder. Also called: TMEM127-related condition.

Allele frequency attached by ClinVar (database versions not stated): gnomAD exomes 0.00001; TOPMed 0.00014; gnomAD 0.00015; 1000 Genomes Project 30x 0.00016.
gnomAD v4.1: 30 of 1,357,976 alleles (0.0022%); highest among the groups gnomAD compares: African/African-American, 0.041%; no homozygotes.

Submission:

PreventionGenetics, part of Exact Sciences
Classification: Likely benign for TMEM127-related condition. Last evaluated: 2022-06-03. Review status: no assertion criteria provided. Collection method: clinical testing. Allele origin: germline.
Comment: This variant is classified as likely benign based on ACMG/AMP sequence variant interpretation guidelines (Richards et al. 2015 PMID: 25741868, with internal and published modifications).